The following is an entry in ClinVar:

NM_001572.5(IRF7):c.539G>T (p.Gly180Val)

Gene: IRF7 (interferon regulatory factor 7; minus strand). Cytogenetic location: 11p15.5.
Variant type: single nucleotide variant.
Coding change: c.539G>T on transcript NM_001572.5 (MANE Select); coding-DNA position 539, G replaced by T.
Protein change: p.Gly180Val; replaces glycine 180 with valine.
Molecular consequence: missense variant.
Genome position (GRCh38, 1-based): chr11:614,314, C>A on the plus strand (G>T on the coding strand, the complement: IRF7 is on the minus strand). VCF-style: chr11-614314-C-A. GRCh37 (hg19) VCF-style: chr11-614314-C-A.
Other names: c.539G>T, p.Gly180Val (NM_004029.4); c.578G>T, p.Gly193Val (NM_004031.4); short protein forms G180V, G193V.
Identifiers: ClinVar variation 3054107 (VCV003054107.2), dbSNP rs1564883613, ClinGen allele CA378982011.

ClinVar aggregate classification (germline): Uncertain significance (0 of 4 stars; one submission).

Conditions:
IRF7-related disorder. Also called: IRF7-related condition.

Allele frequency attached by ClinVar (database versions not stated): TOPMed below 0.00001.

Submission:

PreventionGenetics, part of Exact Sciences
Classification: Uncertain significance for IRF7-related condition. Last evaluated: 2023-11-30. Review status: no assertion criteria provided. Collection method: clinical testing. Allele origin: germline.
Comment: The IRF7 c.578G>T variant is predicted to result in the amino acid substitution p.Gly193Val. To our knowledge, this variant has not been reported in the literature or in a large population database, indicating this variant is rare. At this time, the clinical significance of this variant is uncertain due to the absence of conclusive functional and genetic evidence.